The following is an entry in ClinVar:

NM_001267550.2(TTN):c.95514A>G (p.Glu31838=)

Genes: TTN-AS1 (TTN antisense RNA 1; plus strand), TTN (titin; minus strand). Cytogenetic location: 2q31.2.
Variant type: single nucleotide variant.
Coding change: c.95514A>G on transcript NM_001267550.2 (MANE Select); coding-DNA position 95514, A replaced by G.
Protein change: p.Glu31838=; no amino-acid change (glutamic acid 31838 retained).
Molecular consequence: synonymous variant.
Genome position (GRCh38, 1-based): chr2:178,545,596, T>C on the plus strand (A>G on the coding strand, the complement: TTN is on the minus strand). VCF-style: chr2-178545596-T-C. GRCh37 (hg19) VCF-style: chr2-179410323-T-C.
Other names: c.90591A>G, p.Glu30197= (NM_001256850.1); c.68319A>G, p.Glu22773= (NM_003319.4); c.87810A>G, p.Glu29270= (NM_133378.4); c.68694A>G, p.Glu22898= (NM_133432.3); c.68895A>G, p.Glu22965= (NM_133437.4).
Identifiers: ClinVar variation 1755689 (VCV001755689.29), dbSNP rs2469013986, ClinGen allele CA430241764.

ClinVar aggregate classification (germline): Likely benign. Review status: criteria provided, multiple submitters, no conflicts (2 of 4 stars). 3 submissions from 3 submitters: Likely benign (3). Last evaluated 2023-10-01.

Conditions:
Cardiovascular phenotype. Identifiers: MedGen CN230736.
Autosomal recessive limb-girdle muscular dystrophy type 2J (LGMDR10). Also called: MUSCULAR DYSTROPHY, LIMB-GIRDLE, AUTOSOMAL RECESSIVE 10; Limb-girdle muscular dystrophy, type 2J. Identifiers: Orphanet 140922, MedGen C1837342, MONDO:0012127, OMIM 608807.
Dilated cardiomyopathy 1G (CMD1G). Identifiers: Orphanet 154, MedGen C1858763, MONDO:0011400, OMIM 604145.

Allele frequency attached by ClinVar (database versions not stated): gnomAD exomes 0.00001.
gnomAD v4.1: 13 of 1,613,792 alleles (0.00081%); highest among the groups gnomAD compares: South Asian, 0.013%; no homozygotes.

Submissions (3):

CeGaT Center for Human Genetics Tuebingen
Classification: Likely benign. Last evaluated: 2023-10-01. Review status: criteria provided, single submitter. Criteria: CeGaT Center For Human Genetics Tuebingen Variant Classification Criteria Version 2. Collection method: clinical testing. Allele origin: germline. Affected: yes. Observed: 1 variant allele.
Comment: TTN: PM2:Supporting, BP4, BP7

Labcorp Genetics (formerly Invitae), Labcorp
Classification: Likely benign for Dilated cardiomyopathy 1G; Autosomal recessive limb-girdle muscular dystrophy type 2J. Last evaluated: 2023-05-22. Review status: criteria provided, single submitter. Criteria: Invitae Variant Classification Sherloc (09022015). Collection method: clinical testing. Allele origin: germline.

Ambry Genetics
Classification: Likely benign for Cardiovascular phenotype. Last evaluated: 2021-08-19. Review status: criteria provided, single submitter. Criteria: Ambry Variant Classification Scheme 2023. Collection method: clinical testing. Allele origin: germline.